The following is an entry in ClinVar:

NM_152906.7(TANGO2):c.37G>C (p.Val13Leu)

Gene: TANGO2 (transport and golgi organization 2 homolog; plus strand). Cytogenetic location: 22q11.21.
Variant type: single nucleotide variant.
Coding change: c.37G>C on transcript NM_152906.7 (MANE Select); coding-DNA position 37, G replaced by C.
Protein change: p.Val13Leu; replaces valine 13 with leucine.
Molecular consequence: missense variant. On other transcripts: 5 prime UTR variant (20), non-coding transcript variant (5).
Genome position (GRCh38, 1-based): chr22:20,036,835, G>C. VCF-style: chr22-20036835-G-C. GRCh37 (hg19) VCF-style: chr22-20024358-G-C.
Other names: c.37G>C, p.Val13Leu (NM_001283106.3, NM_001283116.3, NM_001283148.3 and 10 more transcripts); c.-81G>C (NM_001283129.3, NM_001283215.3, NM_001322141.2 and 5 more transcripts); c.-143G>C (NM_001283235.3, NM_001322146.2, NM_001322153.2 and 5 more transcripts); c.-383G>C (NM_001322148.2, NM_001322150.2, NM_001322172.2 and 1 more transcripts); short protein forms V13L.
Identifiers: ClinVar variation 1493402 (VCV001493402.5), dbSNP rs761001534, ClinGen allele CA10106109.

ClinVar aggregate classification (germline): Uncertain significance (1 of 4 stars; one submission).

Allele frequency attached by ClinVar (database versions not stated): ExAC 0.00001; gnomAD exomes 0.00001.
gnomAD v4.1: 10 of 1,614,114 alleles (0.00062%); highest among the groups gnomAD compares: Middle Eastern, 0.049%; no homozygotes.

Submission:

Labcorp Genetics (formerly Invitae), Labcorp
Classification: Uncertain significance. Last evaluated: 2022-09-19. Review status: criteria provided, single submitter. Criteria: Invitae Variant Classification Sherloc (09022015). Collection method: clinical testing. Allele origin: germline.
Comment: This sequence change replaces valine, which is neutral and non-polar, with leucine, which is neutral and non-polar, at codon 13 of the TANGO2 protein (p.Val13Leu). This variant is present in population databases (rs761001534, gnomAD 0.002%). This variant has not been reported in the literature in individuals affected with TANGO2-related conditions. ClinVar contains an entry for this variant (Variation ID: 1493402). Algorithms developed to predict the effect of missense changes on protein structure and function are either unavailable or do not agree on the potential impact of this missense change (SIFT: "Not Available"; PolyPhen-2: "Benign"; Align-GVGD: "Not Available"). In summary, the available evidence is currently insufficient to determine the role of this variant in disease. Therefore, it has been classified as a Variant of Uncertain Significance.